The following is an entry in ClinVar:

ClinVar aggregate classification (germline): Uncertain significance. Review status: criteria provided, multiple submitters, no conflicts (2 of 4 stars). 2 submissions from 2 submitters: Uncertain significance (2). Last evaluated 2025-02-22.

Conditions:
Inborn genetic diseases. Identifiers: MedGen C0950123, MeSH D030342.
Sterile multifocal osteomyelitis with periostitis and pustulosis. Also called: CHRONIC RECURRENT MULTIFOCAL OSTEOMYELITIS 2, WITH PERIOSTITIS AND PUSTULOSIS. Identifiers: Orphanet 210115, MedGen C2748507, MONDO:0013021, OMIM 612852.

Allele frequency attached by ClinVar (database versions not stated): gnomAD 0.00003; TOPMed 0.00004.
gnomAD v4.1: 43 of 1,613,956 alleles (0.0027%); highest among the groups gnomAD compares: Non-Finnish European, 0.0036%; no homozygotes.

Submissions (2):

Ambry Genetics
Classification: Uncertain significance for Inborn genetic diseases. Last evaluated: 2025-02-22. Review status: criteria provided, single submitter. Criteria: Ambry Variant Classification Scheme 2023. Collection method: clinical testing. Allele origin: germline.

Labcorp Genetics (formerly Invitae), Labcorp
Classification: Uncertain significance for Sterile multifocal osteomyelitis with periostitis and pustulosis. Last evaluated: 2021-09-02. Review status: criteria provided, single submitter. Criteria: Invitae Variant Classification Sherloc (09022015). Collection method: clinical testing. Allele origin: germline.
Comment: This sequence change replaces proline with serine at codon 30 of the IL1RN protein (p.Pro30Ser). The proline residue is highly conserved and there is a moderate physicochemical difference between proline and serine. This variant is present in population databases (rs747206860, ExAC 0.001%). This variant has not been reported in the literature in individuals affected with IL1RN-related conditions. ClinVar contains an entry for this variant (Variation ID: 537713). Algorithms developed to predict the effect of missense changes on protein structure and function are either unavailable or do not agree on the potential impact of this missense change (SIFT: "Tolerated"; PolyPhen-2: "Possibly Damaging"; Align-GVGD: "Class C0"). In summary, the available evidence is currently insufficient to determine the role of this variant in disease. Therefore, it has been classified as a Variant of Uncertain Significance.

NM_173842.3(IL1RN):c.79C>T (p.Pro27Ser)

Gene: IL1RN (interleukin 1 receptor antagonist; plus strand). Cytogenetic location: 2q14.1.
Variant type: single nucleotide variant.
Coding change: c.79C>T on transcript NM_173842.3 (MANE Select); coding-DNA position 79, C replaced by T.
Protein change: p.Pro27Ser; replaces proline 27 with serine.
Molecular consequence: missense variant. On other transcripts: 5 prime UTR variant (3).
Genome position (GRCh38, 1-based): chr2:113,127,703, C>T. VCF-style: chr2-113127703-C-T. GRCh37 (hg19) VCF-style: chr2-113885280-C-T.
Other names: c.25C>T, p.Pro9Ser (NM_000577.5); c.-24C>T (NM_001318914.2, NM_001379360.1, NM_173843.3); c.88C>T, p.Pro30Ser (NM_173841.3); short protein forms P30S, P9S, P27S.
Identifiers: ClinVar variation 537713 (VCV000537713.7), dbSNP rs747206860, ClinGen allele CA1838757.